The following is an entry in ClinVar:

ClinVar aggregate classification (germline): Uncertain significance (1 of 4 stars; one submission).

gnomAD v4.1: 2 of 1,613,494 alleles (0.00012%); highest among the groups gnomAD compares: Non-Finnish European, 0.00017%; no homozygotes.

Submission:

Women's Health and Genetics/Laboratory Corporation of America, LabCorp
Classification: Uncertain significance. Last evaluated: 2024-09-23. Review status: criteria provided, single submitter. Criteria: LabCorp Variant Classification Summary - May 2015. Collection method: clinical testing. Allele origin: germline.
Comment: Variant summary: TTN c.3878T>G (p.Phe1293Cys) results in a non-conservative amino acid change located in the near Z-disk region of the encoded protein sequence. Five of five in-silico tools predict a damaging effect of the variant on protein function. The variant allele was found at a frequency of 1.2e-06 in 1606524 control chromosomes in the gnomAD database (v4.1 dataset). The available data on variant occurrences in the general population are insufficient to allow any conclusion about variant significance. The variant, c.3878T>G, has been reported in the literature in an individual who carried a (likely) pathogenic TTN variant in trans, and had no signs of skeletal muscle disease, supporting a benign role for the variant (Savarese_2020). To our knowledge, no experimental evidence demonstrating an impact on protein function has been reported. The following publication have been ascertained in the context of this evaluation (PMID: 32039858). No submitters have cited clinical-significance assessments for this variant to ClinVar. Based on the evidence outlined above, the variant was classified as VUS-possibly benign.

Literature cited by the submitters: PubMed 32039858.

NM_001267550.2(TTN):c.3878T>G (p.Phe1293Cys)

Genes: TTN (titin; minus strand), LOC101927055 (uncharacterized LOC101927055; plus strand). Cytogenetic location: 2q31.2.
Variant type: single nucleotide variant.
Coding change: c.3878T>G on transcript NM_001267550.2 (MANE Select); coding-DNA position 3878, T replaced by G.
Protein change: p.Phe1293Cys; replaces phenylalanine 1293 with cysteine.
Molecular consequence: missense variant.
Genome position (GRCh38, 1-based): chr2:178,779,314, A>C on the plus strand (T>G on the coding strand, the complement: TTN is on the minus strand). VCF-style: chr2-178779314-A-C. GRCh37 (hg19) VCF-style: chr2-179644041-A-C.
Other names: c.3878T>G, p.Phe1293Cys (NM_001256850.1, NM_133378.4, NM_133379.5); c.3740T>G, p.Phe1247Cys (NM_003319.4, NM_133432.3, NM_133437.4); short protein forms F1247C, F1293C.
Identifiers: ClinVar variation 3375309 (VCV003375309.1).